The following is an entry in ClinVar:

ClinVar aggregate classification (germline): Uncertain significance. Review status: criteria provided, multiple submitters, no conflicts (2 of 4 stars). 5 submissions from 5 submitters: Uncertain significance (4). 1 of the submissions does not count toward it. Last evaluated 2024-12-18.

Conditions:
Inborn genetic diseases. Identifiers: MedGen C0950123, MeSH D030342.
Fanconi anemia (FA). Also called: Fanconi's anemia. Identifiers: Orphanet 84, MedGen C0015625, MeSH D005199, MONDO:0019391.
Fanconi anemia complementation group G. Also called: Fanconi anemia group G; FANCG-Related Fanconi Anemia. Identifiers: Orphanet 84, MedGen C3469527, MONDO:0013565, OMIM 614082.

Allele frequency attached by ClinVar (database versions not stated): gnomAD 0.00003 and 0.00004; TOPMed 0.00005; gnomAD exomes 0.00006.
gnomAD v4.1: 29 of 1,614,076 alleles (0.0018%); highest among the groups gnomAD compares: Admixed American, 0.047%; no homozygotes.

Submissions (5):

Ambry Genetics
Classification: Uncertain significance for Inborn genetic diseases. Last evaluated: 2024-12-18. Review status: criteria provided, single submitter. Criteria: Ambry Variant Classification Scheme 2023. Collection method: clinical testing. Allele origin: germline.

Labcorp Genetics (formerly Invitae), Labcorp
Classification: Uncertain significance for Fanconi anemia. Last evaluated: 2024-10-13. Review status: criteria provided, single submitter. Criteria: Invitae Variant Classification Sherloc (09022015). Collection method: clinical testing. Allele origin: germline.
Comment: This sequence change replaces lysine, which is basic and polar, with glutamine, which is neutral and polar, at codon 504 of the FANCG protein (p.Lys504Gln). This variant is present in population databases (no rsID available, gnomAD 0.05%). This variant has not been reported in the literature in individuals affected with FANCG-related conditions. ClinVar contains an entry for this variant (Variation ID: 456230). Invitae Evidence Modeling of protein sequence and biophysical properties (such as structural, functional, and spatial information, amino acid conservation, physicochemical variation, residue mobility, and thermodynamic stability) indicates that this missense variant is not expected to disrupt FANCG protein function with a negative predictive value of 80%. In summary, the available evidence is currently insufficient to determine the role of this variant in disease. Therefore, it has been classified as a Variant of Uncertain Significance.

Fulgent Genetics
Classification: Uncertain significance for Fanconi anemia complementation group G. Last evaluated: 2024-05-10. Review status: criteria provided, single submitter. Criteria: ACMG Guidelines, 2015. Collection method: clinical testing. Allele origin: germline.

Blueprint Genetics
Classification: Uncertain significance. Last evaluated: 2022-10-26. Review status: criteria provided, single submitter. Criteria: ACMG Guidelines, 2015. Collection method: clinical testing. Allele origin: germline.

Natera, Inc.
Classification: Uncertain significance for Fanconi anemia group G. Last evaluated: 2019-10-28. Review status: no assertion criteria provided. Collection method: clinical testing. Allele origin: germline. Not counted in ClinVar's aggregate classification.

NM_004629.2(FANCG):c.1510A>C (p.Lys504Gln)

Gene: FANCG (FA complementation group G; minus strand). Cytogenetic location: 9p13.3.
Variant type: single nucleotide variant.
Coding change: c.1510A>C on transcript NM_004629.2 (MANE Select); coding-DNA position 1510, A replaced by C.
Protein change: p.Lys504Gln; replaces lysine 504 with glutamine.
Molecular consequence: missense variant.
Genome position (GRCh38, 1-based): chr9:35,075,053, T>G on the plus strand (A>C on the coding strand, the complement: FANCG is on the minus strand). VCF-style: chr9-35075053-T-G. GRCh37 (hg19) VCF-style: chr9-35075050-T-G.
Other names: short protein forms K504Q.
Identifiers: ClinVar variation 456230 (VCV000456230.8), dbSNP rs1304316655, ClinGen allele CA373304885.
Genomic context (GRCh38, chr9:35,075,053, plus strand): 5'-ATTCCAGTCCACGACTAATTAGGGCGGCTGCCCGAAGCTGCTGCAGTGCCGCATCTGACT[T>G]ACATCCCTGCTCACAGTTGAAAGCTGCCCCTGGGGACCACTCCCAAAGTCAAGAAGTGTC-3'
Protein context (NP_004620.1, residues 494-514): GAAFNCEQGC[Lys504Gln]SDAALQQLRA